The following is an entry in ClinVar:

NM_005609.4(PYGM):c.260_261del (p.Ser87fs)

Gene: PYGM (glycogen phosphorylase, muscle associated; minus strand). Cytogenetic location: 11q13.1.
Variant type: Deletion.
Coding change: c.260_261del on transcript NM_005609.4 (MANE Select); coding-DNA positions 260 to 261, 2 bases deleted (CT; older notation c.260_261delCT).
Protein change: p.Ser87fs; shifts the reading frame from serine 87.
Molecular consequence: frameshift variant. On other transcripts: intron variant (1).
Genome position (GRCh38, 1-based): chr11:64,758,687-64,758,688, AG deleted on the plus strand (CT on the coding strand, the reverse complement: PYGM is on the minus strand); deleting any 2 consecutive bases within chr11:64,758,687-64,758,689 gives the same sequence; the c. name uses the placement nearest the transcript's 3' end. VCF-style (leftmost placement, unchanged base first): chr11-64758686-AAG-A. GRCh37 (hg19) VCF-style: chr11-64526158-AAG-A.
Other names: c.244-422_244-421del (NM_001164716.1); c.260_261delCT (NM_005609.3); short protein forms S87fs.
Identifiers: ClinVar variation 1373318 (VCV001373318.11), dbSNP rs757762109, ClinGen allele CA6080315.

ClinVar aggregate classification (germline): Pathogenic/Likely pathogenic. Review status: criteria provided, multiple submitters, no conflicts (2 of 4 stars). 4 submissions from 4 submitters: Pathogenic (3); Likely pathogenic (1). Last evaluated 2025-05-12.

Conditions:
Glycogen storage disease, type V (GSD5). Also called: McArdle type glycogen storage disease; MCARDLE DISEASE; MUSCLE GLYCOGEN PHOSPHORYLASE DEFICIENCY; MYOPHOSPHORYLASE DEFICIENCY; PYGM DEFICIENCY. Identifiers: Orphanet 368, MedGen C0017924, MONDO:0009293, OMIM 232600.

Submissions (4):

Natera, Inc.
Classification: Likely pathogenic for Glycogen storage disease V. Last evaluated: 2025-05-12. Review status: criteria provided, single submitter. Criteria: Natera Variant Classification Schema (03/2026). Collection method: clinical testing. Allele origin: germline.
Comment: The c.260_261delCT variant in PYGM is a frameshift variant predicted to shift the reading frame beginning at codon 87 and leads to a stop codon 23 codons downstream. This variant is expected to result in nonsense mediated decay, truncation, or a dysfunctional protein product. This variant is rare in the general population with a frequency below the threshold expected for the associated phenotype(s). Given the available evidence, this variant is classified as Likely Pathogenic.

Labcorp Genetics (formerly Invitae), Labcorp
Classification: Pathogenic for Glycogen storage disease, type V. Last evaluated: 2024-04-26. Review status: criteria provided, single submitter. Criteria: Invitae Variant Classification Sherloc (09022015). Collection method: clinical testing. Allele origin: germline.
Comment: This sequence change creates a premature translational stop signal (p.Ser87Phefs*23) in the PYGM gene. It is expected to result in an absent or disrupted protein product. Loss-of-function variants in PYGM are known to be pathogenic (PMID: 8316268, 16786513). This variant is present in population databases (rs757762109, gnomAD 0.006%). This variant has not been reported in the literature in individuals affected with PYGM-related conditions. ClinVar contains an entry for this variant (Variation ID: 1373318). For these reasons, this variant has been classified as Pathogenic.

Baylor Genetics
Classification: Pathogenic for Glycogen storage disease, type V. Last evaluated: 2023-11-18. Review status: criteria provided, single submitter. Criteria: ACMG Guidelines, 2015. Collection method: clinical testing. Allele origin: unknown.

Juno Genomics, Hangzhou Juno Genomics, Inc
Classification: Pathogenic for Glycogen storage disease, type V. Review status: criteria provided, single submitter. Criteria: ACMG Guidelines, 2015. Collection method: clinical testing. Allele origin: germline.
Comment: Absent from controls (or at extremely low frequency if recessive) in Genome Aggregation Database.;Null variant in a gene where loss of function (LOF) is a known mechanism of disease.;Patient's phenotype or family history is highly specific for a disease with a single genetic etiology.

Literature cited by the submitters: PubMed 8316268 (cited by Labcorp Genetics (formerly Invitae), Labcorp); PubMed 16786513 (cited by Labcorp Genetics (formerly Invitae), Labcorp).